The following is an entry in ClinVar:

ClinVar aggregate classification (germline): Uncertain significance. Review status: criteria provided, multiple submitters, no conflicts (2 of 4 stars). 2 submissions from 2 submitters: Uncertain significance (2). Last evaluated 2021-11-15.

Conditions:
Cardiovascular phenotype. Identifiers: MedGen CN230736.

Submissions (2):

AiLife Diagnostics
Classification: Uncertain significance. Last evaluated: 2021-11-15. Review status: criteria provided, single submitter. Criteria: ACMG Guidelines, 2015. Collection method: clinical testing. Allele origin: germline. Affected: yes. Observed: 1 variant allele.

Ambry Genetics
Classification: Uncertain significance for Cardiovascular phenotype. Last evaluated: 2020-11-20. Review status: criteria provided, single submitter. Criteria: Ambry Variant Classification Scheme 2023. Collection method: clinical testing. Allele origin: germline.
Comment: The c.8833-1G>A intronic variant results from a G to A substitution one nucleotide upstream from coding exon 36 of the AKAP9 gene. This nucleotide position is highly conserved in available vertebrate species. In silico splice site analysis predicts that this alteration will weaken the native splice acceptor site and will result in the creation or strengthening of a novel splice acceptor site. Alterations that disrupt the canonical splice site are expected to cause aberrant splicing, resulting in an abnormal protein or a transcript that is subject to nonsense-mediated mRNA decay. However, loss of function of AKAP9 has not been clearly established as a mechanism of disease. Since supporting evidence is limited at this time, the clinical significance of this alteration remains unclear.

NM_005751.5(AKAP9):c.8833-1G>A

Gene: AKAP9 (A-kinase anchoring protein 9; plus strand). Cytogenetic location: 7q21.2.
Variant type: single nucleotide variant.
Coding change: c.8833-1G>A on transcript NM_005751.5 (MANE Select); the canonical splice acceptor site of the intron before coding-DNA position 8833, G replaced by A.
Molecular consequence: splice acceptor variant.
Genome position (GRCh38, 1-based): chr7:92,085,494, G>A. VCF-style: chr7-92085494-G-A. GRCh37 (hg19) VCF-style: chr7-91714808-G-A.
Other names: c.8809-1G>A (NM_147185.3); c.3478-1G>A (NM_001379277.1).
Identifiers: ClinVar variation 1677626 (VCV001677626.3), dbSNP rs2130875407, ClinGen allele CA368142726.